The following is an entry in ClinVar:

ClinVar aggregate classification (germline): Uncertain significance (1 of 4 stars; one submission).

Submission:

Ambry Genetics
Classification: Uncertain significance. Last evaluated: 2025-05-04. Review status: criteria provided, single submitter. Criteria: Ambry Variant Classification Scheme 2023. Collection method: clinical testing. Allele origin: germline.
Comment: The p.R1531G variant (also known as c.4591C>G), located in coding exon 40 of the KIF1B gene, results from a C to G substitution at nucleotide position 4591. The arginine at codon 1531 is replaced by glycine, an amino acid with dissimilar properties. This amino acid position is conserved. In addition, this alteration is predicted to be deleterious by in silico analysis. Based on the available evidence, the clinical significance of this variant remains unclear.

NM_001365951.3(KIF1B):c.4729C>G (p.Arg1577Gly)

Gene: KIF1B (kinesin family member 1B; plus strand). Cytogenetic location: 1p36.22.
Variant type: single nucleotide variant.
Coding change: c.4729C>G on transcript NM_001365951.3 (MANE Select); coding-DNA position 4729, C replaced by G.
Protein change: p.Arg1577Gly; replaces arginine 1577 with glycine.
Molecular consequence: missense variant.
Genome position (GRCh38, 1-based): chr1:10,365,625, C>G. VCF-style: chr1-10365625-C-G. GRCh37 (hg19) VCF-style: chr1-10425683-C-G.
Other names: c.4729C>G, p.Arg1577Gly (NM_001365952.1); c.4591C>G, p.Arg1531Gly (NM_015074.3); short protein forms R1577G, R1531G.
Identifiers: ClinVar variation 4043055 (VCV004043055.1).